The following is an entry in ClinVar:

ClinVar aggregate classification (germline): Likely benign (1 of 4 stars; one submission).

Submission:

Women's Health and Genetics/Laboratory Corporation of America, LabCorp
Classification: Likely benign. Last evaluated: 2024-12-06. Review status: criteria provided, single submitter. Criteria: LabCorp Variant Classification Summary - May 2015. Collection method: clinical testing. Allele origin: germline.
Comment: Variant summary: The variant involves the duplication of exons 1-4 in the PRODH gene. A presumed nomenclature of c.(?_-7)_(667+1_668-1)dup has been designated for the purposes of this classification. It is assumed to be a tandem duplication in direct orientation (PMIDs: 25640679, 30054569). The exact breakpoint at the 5' end of this variant is unknown, therefore this duplication may extend upstream of the annotated region of this gene. It is predicted to duplicate a segment including the initiation codon, therefore its impact on the encoded protein is unknown. A large duplication which encompasses exons 1-4 in the PRODH gene was found at a frequency of 0.0011 in 94194 control chromosomes in the gnomAD database (Structural Variants v4.1 dataset), including 7 homozygotes. To our knowledge, no occurrence of c.(?_-7)_(667+1_668-1)dup in individuals affected with Proline Dehydrogenase Deficiency and no experimental evidence demonstrating its impact on protein function have been reported. No submitters have cited clinical-significance assessments for this variant to ClinVar. Based on the evidence outlined above, the variant was classified as likely benign.

NC_000022.10:g.(18910693_18912563)_(18923807_?)dup

Gene: PRODH (proline dehydrogenase 1; minus strand). Cytogenetic location: 22q11.21.
Variant type: Duplication.
Identifiers: ClinVar variation 3768206 (VCV003768206.1).